The following is an entry in ClinVar:

NM_002180.3(IGHMBP2):c.2612-146G>T

Gene: IGHMBP2 (immunoglobulin mu DNA binding protein 2; plus strand). Cytogenetic location: 11q13.3.
Variant type: single nucleotide variant.
Coding change: c.2612-146G>T on transcript NM_002180.3 (MANE Select); 146 bases into the intron before coding-DNA position 2612, G replaced by T.
Molecular consequence: intron variant.
Genome position (GRCh38, 1-based): chr11:68,938,036, G>T. VCF-style: chr11-68938036-G-T. GRCh37 (hg19) VCF-style: chr11-68705504-G-T.
Identifiers: ClinVar variation 681879 (VCV000681879.2), dbSNP rs513615, ClinGen allele CA13463181.

ClinVar aggregate classification (germline): Benign. Review status: criteria provided, multiple submitters, no conflicts (2 of 4 stars). 2 submissions from 2 submitters: Benign (2). Last evaluated 2018-06-14.

Allele frequency attached by ClinVar (database versions not stated): TOPMed 0.20493; 1000 Genomes Project 30x 0.22049; gnomAD 0.22315 and 0.23260; 1000 Genomes Project 0.22584.
gnomAD v4.1: 246,387 of 834,806 alleles (30%); highest among the groups gnomAD compares: South Asian, 46%; 40,314 homozygotes.

Submissions (2):

GeneDx
Classification: Benign. Last evaluated: 2018-06-14. Review status: criteria provided, single submitter. Criteria: GeneDx Variant Classification (06012015). Collection method: clinical testing. Allele origin: germline. Affected: yes.
Comment: This variant is considered likely benign or benign based on one or more of the following criteria: it is a conservative change, it occurs at a poorly conserved position in the protein, it is predicted to be benign by multiple in silico algorithms, and/or has population frequency not consistent with disease.

Breakthrough Genomics
Classification: Benign. Review status: criteria provided, single submitter. Criteria: ACMG Guidelines, 2015. Collection method: not provided. Allele origin: germline. Inheritance: Autosomal recessive inheritance. Affected: yes.